The following is an entry in ClinVar:

ClinVar aggregate classification (germline): Pathogenic (1 of 4 stars; one submission).

Conditions:
Cystic fibrosis (CF). Also called: MUCOVISCIDOSIS. Identifiers: Orphanet 586, MedGen C0010674, MONDO:0009061, OMIM 219700. Disease mechanism: loss of function.

Submission:

Labcorp Genetics (formerly Invitae), Labcorp
Classification: Pathogenic for Cystic fibrosis. Last evaluated: 2020-09-25. Review status: criteria provided, single submitter. Criteria: Invitae Variant Classification Sherloc (09022015). Collection method: clinical testing. Allele origin: germline.
Comment: This variant is an in-frame deletion of the genomic region encompassing exons 25-26 of the CFTR gene. It preserves the integrity of the reading frame. This variant has been reported in several individuals affected with cystic fibrosis (PMID: 15024729, 16362824, 18683213) and has been observed on the opposite chromosome (in trans) from a pathogenic variant in an individual affected with cystic fibrosis (PMID: 26574590). This finding is consistent with autosomal recessive inheritance, and suggests that this variant contributes to disease. This variant is also known as deletion of exons 22-23 in the literature. ClinVar contains an entry for this variant (Variation ID: 66104). This variant disrupts the nucleotide binding domain (NBD2) of the CFTR protein, which is essential for ATP hydrolysis and proper CFTR function (PMID: 15284228). For these reasons, this variant has been classified as Pathogenic.

Literature cited by the submitters: PubMed 15024729; PubMed 16362824; PubMed 18683213; PubMed 26574590; PubMed 15284228.

NC_000007.13:g.(?_117304664)_(117306195_?)del

Gene: CFTR (CF transmembrane conductance regulator; plus strand). Cytogenetic location: 7q31.2.
Variant type: Deletion.
Identifiers: ClinVar variation 1070381 (VCV001070381.1).